The following is an entry in ClinVar:

ClinVar aggregate classification (germline): Benign/Likely benign. Review status: criteria provided, multiple submitters, no conflicts (2 of 4 stars). 3 submissions from 3 submitters: Benign (1); Likely benign (2). Last evaluated 2018-01-12.

Conditions:
Fanconi anemia complementation group J. Also called: BRIP1-Related Fanconi Anemia. Identifiers: Orphanet 84, MedGen C1836860, MONDO:0012187, OMIM 609054.

Allele frequency attached by ClinVar (database versions not stated): gnomAD exomes 0.34850; gnomAD 0.38094 and 0.38290; 1000 Genomes Project 0.39217; TOPMed 0.39381; 1000 Genomes Project 30x 0.39553.
gnomAD v4.1: 74,243 of 199,364 alleles (37%); highest among the groups gnomAD compares: African/African-American, 50%; 14,460 homozygotes.

Submissions (4):

Illumina Laboratory Services, Illumina
Classification: Benign for Fanconi anemia complementation group J. Last evaluated: 2018-01-12. Review status: criteria provided, single submitter. Criteria: ICSL Variant Classification Criteria 13 December 2019. Collection method: clinical testing. Allele origin: germline.
Comment: This variant was observed in the ICSL laboratory as part of a predisposition screen in an ostensibly healthy population. It had not been previously curated by ICSL or reported in the Human Gene Mutation Database (HGMD: prior to June 1st, 2018), and was therefore a candidate for classification through an automated scoring system. Utilizing variant allele frequency, disease prevalence and penetrance estimates, and inheritance mode, an automated score was calculated to assess if this variant is too frequent to cause the disease. Based on the score and internal cut-off values, a variant classified as benign is not then subjected to further curation. The score for this variant resulted in a classification of benign for this disease.

Genetic Services Laboratory, University of Chicago
Classification: Likely benign. Last evaluated: 2015-07-29. Review status: criteria provided, single submitter. Criteria: ACMG Guidelines, 2015. Collection method: clinical testing. Allele origin: germline.

Breakthrough Genomics
Classification: Likely benign. Review status: criteria provided, single submitter. Criteria: ACMG Guidelines, 2015. Collection method: not provided. Allele origin: germline. Inheritance: Autosomal dominant inheritance. Affected: yes.

Dr. Peter K. Rogan Lab, Western University
No classification provided (evidence only). Condition: Uterine carcinosarcoma. Review status: no classification provided. Collection method: in vitro. Allele origin: not applicable. Functional consequence: retained intron. Not counted in ClinVar's aggregate classification.

NM_032043.3(BRIP1):c.*2090G>C

Gene: BRIP1 (BRCA1 interacting DNA helicase 1; minus strand). Cytogenetic location: 17q23.2.
Variant type: single nucleotide variant.
Coding change: c.*2090G>C on transcript NM_032043.3 (MANE Select); 2090 bases downstream of the stop codon, G replaced by C.
Molecular consequence: 3 prime UTR variant.
Genome position (GRCh38, 1-based): chr17:61,681,206, C>G on the plus strand (G>C on the coding strand, the complement: BRIP1 is on the minus strand). VCF-style: chr17-61681206-C-G. GRCh37 (hg19) VCF-style: chr17-59758567-C-G.
Other names: NC_000017.10:g.59758567C>G.
Identifiers: ClinVar variation 210533 (VCV000210533.11), dbSNP rs60657820, ClinGen allele CA209276.